The following is an entry in ClinVar:

ClinVar aggregate classification (germline): Uncertain significance (1 of 4 stars; one submission).

Conditions:
Cardiovascular phenotype. Identifiers: MedGen CN230736.

Allele frequency attached by ClinVar (database versions not stated): gnomAD exomes below 0.00001; gnomAD 0.00001; TOPMed 0.00001.
gnomAD v4.1: 3 of 1,611,198 alleles (0.00019%); highest among the groups gnomAD compares: African/African-American, 0.0027%; no homozygotes.

Submission:

Ambry Genetics
Classification: Uncertain significance for Cardiovascular phenotype. Last evaluated: 2019-11-27. Review status: criteria provided, single submitter. Criteria: Ambry Variant Classification Scheme 2023. Collection method: clinical testing. Allele origin: germline.
Comment: The p.V4789A variant (also known as c.14366T>C), located in coding exon 53 of the TTN gene, results from a T to C substitution at nucleotide position 14366. The valine at codon 4789 is replaced by alanine, an amino acid with similar properties. This amino acid position is well conserved in available vertebrate species. In addition, this alteration is predicted to be tolerated by in silico analysis. Since supporting evidence is limited at this time, the clinical significance of this alteration remains unclear.

NM_001267550.2(TTN):c.41561T>C (p.Val13854Ala)

Gene: TTN (titin; minus strand). Cytogenetic location: 2q31.2.
Variant type: single nucleotide variant.
Coding change: c.41561T>C on transcript NM_001267550.2 (MANE Select); coding-DNA position 41561, T replaced by C.
Protein change: p.Val13854Ala; replaces valine 13854 with alanine.
Molecular consequence: missense variant.
Genome position (GRCh38, 1-based): chr2:178,636,010, A>G on the plus strand (T>C on the coding strand, the complement: TTN is on the minus strand). VCF-style: chr2-178636010-A-G. GRCh37 (hg19) VCF-style: chr2-179500737-A-G.
Other names: c.36638T>C, p.Val12213Ala (NM_001256850.1); c.14366T>C, p.Val4789Ala (NM_003319.4); c.33857T>C, p.Val11286Ala (NM_133378.4); c.14741T>C, p.Val4914Ala (NM_133432.3); c.14942T>C, p.Val4981Ala (NM_133437.4); short protein forms V12213A, V13854A, V4789A, V4914A, V4981A, V11286A.
Identifiers: ClinVar variation 1772616 (VCV001772616.2), dbSNP rs1180677279, ClinGen allele CA349658143.